The following is an entry in ClinVar:

ClinVar aggregate classification (germline): Conflicting classifications of pathogenicity. Review status: criteria provided, conflicting classifications (1 of 4 stars). 5 submissions from 5 submitters: Uncertain significance (1); Likely benign (4). Last evaluated 2025-12-23.

Conditions:
Hereditary spastic paraplegia 7 (SPG7). Also called: SPG7-related neurologic disorder; Autosomal recessive spastic paraplegia type 7; SPASTIC PARAPLEGIA 7, AUTOSOMAL RECESSIVE, WITH OR WITHOUT CEREBELLAR ATAXIA; Spastic paraplegia 7; Hereditary spastic paraplegia Paraplegin type. Identifiers: Orphanet 99013, MedGen C1846564, MONDO:0011803, OMIM 607259.
SPG7-related disorder. Also called: SPG7-related condition.

Allele frequency attached by ClinVar (database versions not stated): gnomAD exomes 0.00005 and 0.00011; ExAC 0.00011; 1000 Genomes Project 30x 0.00016; 1000 Genomes Project 0.00020; gnomAD 0.00021 and 0.00024; TOPMed 0.00034; ESP Exome Variant Server 0.00046.
gnomAD v4.1: 106 of 1,614,072 alleles (0.0066%); highest among the groups gnomAD compares: African/African-American, 0.085%; no homozygotes.

Submissions (5):

PreventionGenetics, part of Exact Sciences
Classification: Likely benign for SPG7-related condition. Last evaluated: 2025-12-23. Review status: criteria provided, single submitter. Criteria: ACMG Guidelines, 2015. Collection method: clinical testing. Allele origin: germline.
Comment: This variant is classified as likely benign based on ACMG/AMP sequence variant interpretation guidelines (Richards et al. 2015 PMID: 25741868, with internal and published modifications).

Labcorp Genetics (formerly Invitae), Labcorp
Classification: Likely benign for Hereditary spastic paraplegia 7. Last evaluated: 2025-10-13. Review status: criteria provided, single submitter. Criteria: Invitae Variant Classification Sherloc (09022015). Collection method: clinical testing. Allele origin: germline.

Mayo Clinic Laboratories, Mayo Clinic
Classification: Likely benign. Last evaluated: 2025-06-08. Review status: criteria provided, single submitter. Criteria: ACMG Guidelines, 2015. Collection method: clinical testing. Allele origin: germline. Observed: 2 variant alleles.
Comment: BP4, BP7

Illumina Laboratory Services, Illumina
Classification: Uncertain significance for Hereditary spastic paraplegia 7. Last evaluated: 2018-01-12. Review status: criteria provided, single submitter. Criteria: ICSL Variant Classification Criteria 13 December 2019. Collection method: clinical testing. Allele origin: germline.

GeneDx
Classification: Likely benign. Last evaluated: 2017-10-02. Review status: criteria provided, single submitter. Criteria: GeneDx Variant Classification (06012015). Collection method: clinical testing. Allele origin: germline. Affected: yes.
Comment: This variant is considered likely benign or benign based on one or more of the following criteria: it is a conservative change, it occurs at a poorly conserved position in the protein, it is predicted to be benign by multiple in silico algorithms, and/or has population frequency not consistent with disease.

NM_003119.4(SPG7):c.1359G>A (p.Ala453=)

Gene: SPG7 (SPG7 matrix AAA peptidase subunit, paraplegin; plus strand). Cytogenetic location: 16q24.3.
Variant type: single nucleotide variant.
Coding change: c.1359G>A on transcript NM_003119.4 (MANE Select); coding-DNA position 1359, G replaced by A.
Protein change: p.Ala453=; no amino-acid change (alanine 453 retained).
Molecular consequence: synonymous variant.
Genome position (GRCh38, 1-based): chr16:89,544,682, G>A. VCF-style: chr16-89544682-G-A. GRCh37 (hg19) VCF-style: chr16-89611090-G-A.
Other names: p.Ala453=; c.1359G>A, p.Ala453= (NM_001363850.1); c.1359G>A (NM_003119.3).
Identifiers: ClinVar variation 321282 (VCV000321282.14), dbSNP rs115448299, ClinGen allele CA8244155.